The following is an entry in ClinVar:

NM_014014.5(SNRNP200):c.1534G>A (p.Val512Met)

Gene: SNRNP200 (small nuclear ribonucleoprotein U5 subunit 200; minus strand). Cytogenetic location: 2q11.2.
Variant type: single nucleotide variant.
Coding change: c.1534G>A on transcript NM_014014.5 (MANE Select); coding-DNA position 1534, G replaced by A.
Protein change: p.Val512Met; replaces valine 512 with methionine.
Molecular consequence: missense variant.
Genome position (GRCh38, 1-based): chr2:96,296,673, C>T on the plus strand (G>A on the coding strand, the complement: SNRNP200 is on the minus strand). VCF-style: chr2-96296673-C-T. GRCh37 (hg19) VCF-style: chr2-96962411-C-T.
Other names: short protein forms V512M.
Identifiers: ClinVar variation 1501437 (VCV001501437.5), dbSNP rs968287365, ClinGen allele CA52401592.

ClinVar aggregate classification (germline): Uncertain significance (1 of 4 stars; one submission).

Allele frequency attached by ClinVar (database versions not stated): gnomAD exomes below 0.00001 and 0.00001; gnomAD 0.00001.
gnomAD v4.1: 6 of 1,614,040 alleles (0.00037%); highest among the groups gnomAD compares: Middle Eastern, 0.016%; no homozygotes.

Submission:

Labcorp Genetics (formerly Invitae), Labcorp
Classification: Uncertain significance. Last evaluated: 2021-08-24. Review status: criteria provided, single submitter. Criteria: Invitae Variant Classification Sherloc (09022015). Collection method: clinical testing. Allele origin: germline.
Comment: This sequence change replaces valine with methionine at codon 512 of the SNRNP200 protein (p.Val512Met). The valine residue is highly conserved and there is a small physicochemical difference between valine and methionine. This variant is not present in population databases (ExAC no frequency). This variant has not been reported in the literature in individuals affected with SNRNP200-related conditions. Algorithms developed to predict the effect of missense changes on protein structure and function are either unavailable or do not agree on the potential impact of this missense change (SIFT: "Deleterious"; PolyPhen-2: "Probably Damaging"; Align-GVGD: "Class C0"). In summary, the available evidence is currently insufficient to determine the role of this variant in disease. Therefore, it has been classified as a Variant of Uncertain Significance.